The following is an entry in ClinVar:

NM_007294.4(BRCA1):c.247G>T (p.Val83Phe)

Gene: BRCA1 (BRCA1 DNA repair associated; minus strand). Cytogenetic location: 17q21.31.
Variant type: single nucleotide variant.
Coding change: c.247G>T on transcript NM_007294.4 (MANE Select); coding-DNA position 247, G replaced by T.
Protein change: p.Val83Phe; replaces valine 83 with phenylalanine.
Molecular consequence: missense variant. On other transcripts: non-coding transcript variant (1).
Genome position (GRCh38, 1-based): chr17:43,104,922, C>A on the plus strand (G>T on the coding strand, the complement: BRCA1 is on the minus strand). VCF-style: chr17-43104922-C-A. GRCh37 (hg19) VCF-style: chr17-41256939-C-A.
Other names: NM_007294.4(BRCA1):c.247G>T; p.Val83Phe; c.37G>T, p.Val13Phe (NM_001407571.1, NM_001407853.1, NM_001407879.1 and 58 more transcripts); c.247G>T, p.Val83Phe (NM_001407581.1, NM_001407582.1, NM_001407583.1 and 168 more transcripts); c.169G>T, p.Val57Phe (NM_001407653.1, NM_001407654.1, NM_001407655.1 and 21 more transcripts); c.106G>T, p.Val36Phe (NM_001407692.1, NM_001407694.1, NM_001407695.1 and 99 more transcripts); c.-135G>T (NM_001407959.1, NM_001407960.1, NM_001407962.1 and 4 more transcripts); c.115G>T, p.Val39Phe (NM_001408451.1); short protein forms V83F, V36F, V13F, V57F, V39F.
Identifiers: ClinVar variation 409332 (VCV000409332.18), dbSNP rs1060502343, ClinGen allele CA10601661.

ClinVar aggregate classification (germline): Uncertain significance. Review status: reviewed by expert panel (3 of 4 stars). 4 submissions from 4 submitters: Uncertain significance (1). 3 of the submissions do not count toward it. Last evaluated 2026-10-29.

Conditions:
BRCA1-related cancer predisposition. Identifiers: MedGen CN377757, MONDO:0700268.
Hereditary cancer-predisposing syndrome. Also called: Neoplastic Syndromes, Hereditary; Hereditary Cancer Syndrome; Hereditary neoplastic syndrome; Tumor predisposition. Identifiers: Orphanet 140162, MedGen C0027672, MeSH D009386, MONDO:0015356.
Hereditary breast ovarian cancer syndrome. Also called: Hereditary breast and ovarian cancer syndrome; Breast and ovarian cancer; Hereditary breast and ovarian cancer syndrome (HBOC); Hereditary breast and/or ovarian cancer syndrome; Hereditary breast and ovarian cancer; BRCA1- and BRCA2-Associated Hereditary Breast and Ovarian Cancer. Identifiers: Orphanet 145, MedGen C0677776, MeSH D061325, MONDO:0003582. Disease mechanism: loss of function.

Submissions (5):

ClinGen ENIGMA BRCA1 and BRCA2 Variant Curation Expert Panel, ClinGen
Classification: Uncertain significance for BRCA1-related cancer predisposition. Last evaluated: 2026-10-29. Review status: reviewed by expert panel. Criteria: CSpec BRCA1/2ACMG Rules Specifications V1.2. Collection method: curation. Allele origin: germline. Inheritance: Autosomal dominant inheritance.
Comment: The c.247G>T variant in BRCA1 is a missense variant predicted to cause substitution of Valine by Phenylalanine at amino acid 83 (p.(Val83Phe)). This variant is absent from gnomAD v4.1 (read depth ≥25x in >90% samples, PM2_Supporting met). This BRCA1 missense variant is within a key functional domain and a SpliceAI score of 0.12 indicates an unclear predicted impact on splicing (score threshold 0.1-0.2). The computational predictor BayesDel (noAF) gives a score of 0.47, above the recommended threshold of 0.28 for prediction of impact on BRCA1 function via protein change (PP3 met). Reported by 2 calibrated studies with discordant results. Exhibits protein function similar to pathogenic control variants (PMID:30209399) and between what was observed for benign and pathogenic control variants (PMID:35659930) (PS3 and BS3 not met). Multifactorial likelihood ratio analysis using clinically calibrated data produced a combined LR for this variant of 0.47 (based on Family History LR=0.47), within the thresholds for supporting benign evidence (LR >0.23 & ≤0.48) (BP5 met; PMID: 31853058). In summary, this variant meets the criteria to be classified as a Variant of uncertain significance for BRCA1-related cancer predisposition based on the ACMG/AMP criteria applied as specified by the ENIGMA BRCA1/2 VCEP (v1.2) (PM2_Supporting, PP3, BP5).

All of Us Research Program, National Institutes of Health
Classification: Uncertain significance for BRCA1-related cancer predisposition. Last evaluated: 2024-03-24. Review status: criteria provided, single submitter. Criteria: ACMG Guidelines, 2015. Collection method: clinical testing. Allele origin: germline. Inheritance: Autosomal dominant inheritance. Observed: 1 variant allele, 1 heterozygote. Not counted in ClinVar's aggregate classification.
Comment: This missense variant replaces valine with phenylalanine at codon 83 of the BRCA1 protein. Computational prediction suggests that this variant may have deleterious impact on protein structure and function. Functional studies have reported conflicting impacts for this variant in which it was reported to impact BRCA1 function in a haploid cell proliferation (PMID: 30209399) and inconclusive impact in a mammalian two-hybrid assay with BARD1 (PMID: 35659930). A multifactorial analysis has reported a likelihood ratio for pathogenicity based on personal and family history of approximately 0.471 (PMID: 31853058). This variant has not been identified in the general population by the Genome Aggregation Database (gnomAD). The available evidence is insufficient to determine the role of this variant in disease conclusively. Therefore, this variant is classified as a Variant of Uncertain Significance.

This study involves interpretation of variants in research participants for the purpose of population health screening. Participant phenotype was not available at the time of variant classification. Additional details can be found in publication PMID: 35346344, PMCID: PMC8962531

Labcorp Genetics (formerly Invitae), Labcorp
Classification: Uncertain significance for Hereditary breast ovarian cancer syndrome. Last evaluated: 2022-10-04. Review status: criteria provided, single submitter. Criteria: Invitae Variant Classification Sherloc (09022015). Collection method: clinical testing. Allele origin: germline. Not counted in ClinVar's aggregate classification.
Comment: This sequence change replaces valine, which is neutral and non-polar, with phenylalanine, which is neutral and non-polar, at codon 83 of the BRCA1 protein (p.Val83Phe). This variant is not present in population databases (gnomAD no frequency). This variant has not been reported in the literature in individuals affected with BRCA1-related conditions. ClinVar contains an entry for this variant (Variation ID: 409332). Advanced modeling of experimental studies (such as gene expression, population dynamics, functional pathways, and cell-cycle effects in cell culture) performed at Invitae indicates that this missense variant is expected to disrupt BRCA1 protein function. In summary, the available evidence is currently insufficient to determine the role of this variant in disease. Therefore, it has been classified as a Variant of Uncertain Significance.

Ambry Genetics
Classification: Likely pathogenic for Hereditary cancer-predisposing syndrome. Last evaluated: 2021-11-24. Review status: criteria provided, single submitter. Criteria: Ambry Variant Classification Scheme 2023. Collection method: clinical testing. Allele origin: germline. Not counted in ClinVar's aggregate classification.
Comment: The p.V83F variant (also known as c.247G>T), located in coding exon 4 of the BRCA1 gene, results from a G to T substitution at nucleotide position 247. The valine at codon 83 is replaced by phenylalanine, an amino acid with highly similar properties. One functional study found that this nucleotide substitution is non-functional in a high-throughput, genome editing, haploid cell survival assay (Findlay GM et al. Nature, 2018 10;562:217-222). This variant is considered to be rare based on population cohorts in the Genome Aggregation Database (gnomAD). This amino acid position is well conserved in available vertebrate species. In addition, this alteration is predicted to be deleterious by in silico analysis. Based on the majority of available evidence to date, this variant is likely to be pathogenic.

Brotman Baty Institute, University of Washington
No classification provided (evidence only). Condition: Breast-ovarian cancer, familial 1. Review status: no classification provided. Collection method: in vitro. Allele origin: not applicable. Functional consequence: functionally_abnormal. Not counted in ClinVar's aggregate classification.
ClinVar note: "not provided" was previously submitted as the classification for the variant. However, the classification appeared to be based only on an observation of functional data so it was converted to no classification on 2025-07-30.

Literature cited by the submitters: PubMed 30209399 (cited by All of Us Research Program, National Institutes of Health and Ambry Genetics); PubMed 31853058 (cited by All of Us Research Program, National Institutes of Health); PubMed 35659930 (cited by All of Us Research Program, National Institutes of Health).